The following is an entry in ClinVar:

ClinVar aggregate classification (germline): Benign/Likely benign. Review status: criteria provided, multiple submitters, no conflicts (2 of 4 stars). 4 submissions from 4 submitters: Benign (1); Likely benign (3). Last evaluated 2025-02-16.

Conditions:
Fanconi anemia complementation group J. Also called: BRIP1-Related Fanconi Anemia. Identifiers: Orphanet 84, MedGen C1836860, MONDO:0012187, OMIM 609054.
Familial cancer of breast. Also called: BREAST CANCER, FAMILIAL; Hereditary breast cancer; hereditary breast carcinoma. Identifiers: Orphanet 227535, MedGen C0346153, MONDO:0016419, OMIM 114480. Disease mechanism: loss of function.
Hereditary cancer-predisposing syndrome. Also called: Hereditary neoplastic syndrome; Neoplastic Syndromes, Hereditary; Tumor predisposition; Hereditary Cancer Syndrome. Identifiers: Orphanet 140162, MedGen C0027672, MeSH D009386, MONDO:0015356.

Allele frequency attached by ClinVar (database versions not stated): gnomAD exomes below 0.00001.
gnomAD v4.1: 1 of 1,614,088 alleles (0.000062%); highest among the groups gnomAD compares: Admixed American, 0.0017%; no homozygotes.

Submissions (4):

Labcorp Genetics (formerly Invitae), Labcorp
Classification: Likely benign for Familial cancer of breast; Fanconi anemia complementation group J. Last evaluated: 2025-02-16. Review status: criteria provided, single submitter. Criteria: Invitae Variant Classification Sherloc (09022015). Collection method: clinical testing. Allele origin: germline.

Myriad Genetics, Inc.
Classification: Benign for Familial cancer of breast. Last evaluated: 2024-09-03. Review status: criteria provided, single submitter. Criteria: Myriad Autosomal Dominant, Autosomal Recessive and X-Linked Classification Criteria (2023). Collection method: clinical testing. Allele origin: unknown.
Comment: This variant is considered benign. This variant is a silent/synonymous amino acid change and it is not expected to impact splicing.

Color Diagnostics, LLC DBA Color Health
Classification: Likely benign for Hereditary cancer-predisposing syndrome. Last evaluated: 2017-02-06. Review status: criteria provided, single submitter. Criteria: ACMG Guidelines, 2015. Collection method: clinical testing. Allele origin: germline.

Ambry Genetics
Classification: Likely benign for Hereditary cancer-predisposing syndrome. Last evaluated: 2016-05-20. Review status: criteria provided, single submitter. Criteria: Ambry Variant Classification Scheme 2023. Collection method: clinical testing. Allele origin: germline.

NM_032043.3(BRIP1):c.2049G>A (p.Val683=)

Gene: BRIP1 (BRCA1 interacting DNA helicase 1; minus strand). Cytogenetic location: 17q23.2.
Variant type: single nucleotide variant.
Coding change: c.2049G>A on transcript NM_032043.3 (MANE Select); coding-DNA position 2049, G replaced by A.
Protein change: p.Val683=; no amino-acid change (valine 683 retained).
Molecular consequence: synonymous variant.
Genome position (GRCh38, 1-based): chr17:61,776,449, C>T on the plus strand (G>A on the coding strand, the complement: BRIP1 is on the minus strand). VCF-style: chr17-61776449-C-T. GRCh37 (hg19) VCF-style: chr17-59853810-C-T.
Identifiers: ClinVar variation 481646 (VCV000481646.18), dbSNP rs1228288888, ClinGen allele CA501150147.